The following is an entry in ClinVar:

NM_000551.4(VHL):c.75T>C (p.Pro25=)

Gene: VHL (von Hippel-Lindau tumor suppressor; plus strand). Cytogenetic location: 3p25.3.
Variant type: single nucleotide variant.
Coding change: c.75T>C on transcript NM_000551.4 (MANE Select); coding-DNA position 75, T replaced by C.
Protein change: p.Pro25=; no amino-acid change (proline 25 retained).
Molecular consequence: synonymous variant.
Genome position (GRCh38, 1-based): chr3:10,141,922, T>C. VCF-style: chr3-10141922-T-C. GRCh37 (hg19) VCF-style: chr3-10183606-T-C.
Other names: c.75T>C, p.Pro25= (NM_001354723.2, NM_198156.3).
Identifiers: ClinVar variation 456594 (VCV000456594.15), dbSNP rs1553619317, ClinGen allele CA432536222.

ClinVar aggregate classification (germline): Benign/Likely benign. Review status: criteria provided, multiple submitters, no conflicts (2 of 4 stars). 3 submissions from 3 submitters: Benign (1); Likely benign (2). Last evaluated 2025-06-10.

Conditions:
Von Hippel-Lindau syndrome (VHLS). Also called: Von Hippel-Lindau; von Hippel–Lindau syndrome; VHL syndrome. Identifiers: Orphanet 892, MedGen C0019562, MONDO:0008667, OMIM 193300. Disease mechanism: loss of function.
Chuvash polycythemia. Also called: POLYCYTHEMIA, VHL-DEPENDENT. Identifiers: Orphanet 238557, MedGen C1837915, MONDO:0009892, OMIM 263400.
Hereditary cancer-predisposing syndrome. Also called: Hereditary Cancer Syndrome; Hereditary neoplastic syndrome; Tumor predisposition; Neoplastic Syndromes, Hereditary. Identifiers: Orphanet 140162, MedGen C0027672, MeSH D009386, MONDO:0015356.

Allele frequency attached by ClinVar (database versions not stated): gnomAD exomes below 0.00001.
gnomAD v4.1: 2 of 1,539,348 alleles (0.00013%); highest among the groups gnomAD compares: South Asian, 0.0024%; no homozygotes.

Submissions (3):

Myriad Genetics, Inc.
Classification: Benign for Von Hippel-Lindau syndrome. Last evaluated: 2025-06-10. Review status: criteria provided, single submitter. Criteria: Myriad Autosomal Dominant, Autosomal Recessive and X-Linked Classification Criteria (2023). Collection method: clinical testing. Allele origin: unknown.
Comment: This variant is considered benign. This variant is a silent/synonymous amino acid change and it is not expected to impact splicing.

Labcorp Genetics (formerly Invitae), Labcorp
Classification: Likely benign for Von Hippel-Lindau syndrome; Chuvash polycythemia. Last evaluated: 2025-06-05. Review status: criteria provided, single submitter. Criteria: Invitae Variant Classification Sherloc (09022015). Collection method: clinical testing. Allele origin: germline.

Ambry Genetics
Classification: Likely benign for Hereditary cancer-predisposing syndrome. Last evaluated: 2020-01-22. Review status: criteria provided, single submitter. Criteria: Ambry Variant Classification Scheme 2023. Collection method: clinical testing. Allele origin: germline.